The following is an entry in ClinVar:

ClinVar aggregate classification (germline): Uncertain significance (1 of 4 stars; one submission).

Allele frequency attached by ClinVar (database versions not stated): gnomAD exomes below 0.00001.
gnomAD v4.1: 1 of 1,607,572 alleles (0.000062%); highest among the groups gnomAD compares: Non-Finnish European, 0.000085%; no homozygotes.

Submission:

CeGaT Center for Human Genetics Tuebingen
Classification: Uncertain significance. Last evaluated: 2024-01-01. Review status: criteria provided, single submitter. Criteria: CeGaT Center For Human Genetics Tuebingen Variant Classification Criteria Version 2. Collection method: clinical testing. Allele origin: germline. Affected: yes. Observed: 1 variant allele.
Comment: KMT2B: PM2, PP3

NM_014727.3(KMT2B):c.6235C>T (p.Arg2079Trp)

Gene: KMT2B (lysine methyltransferase 2B; plus strand). Cytogenetic location: 19q13.12.
Variant type: single nucleotide variant.
Coding change: c.6235C>T on transcript NM_014727.3 (MANE Select); coding-DNA position 6235, C replaced by T.
Protein change: p.Arg2079Trp; replaces arginine 2079 with tryptophan.
Molecular consequence: missense variant.
Genome position (GRCh38, 1-based): chr19:35,732,784, C>T. VCF-style: chr19-35732784-C-T. GRCh37 (hg19) VCF-style: chr19-36223685-C-T.
Other names: short protein forms R2079W.
Identifiers: ClinVar variation 3026729 (VCV003026729.22), dbSNP rs1320999461, ClinGen allele CA405426110.